The following is an entry in ClinVar:

NM_004958.4(MTOR):c.2894C>G (p.Ser965Cys)

Gene: MTOR (mechanistic target of rapamycin kinase; minus strand). Cytogenetic location: 1p36.22.
Variant type: single nucleotide variant.
Coding change: c.2894C>G on transcript NM_004958.4 (MANE Select); coding-DNA position 2894, C replaced by G.
Protein change: p.Ser965Cys; replaces serine 965 with cysteine.
Molecular consequence: missense variant.
Genome position (GRCh38, 1-based): chr1:11,228,804, G>C on the plus strand (C>G on the coding strand, the complement: MTOR is on the minus strand). VCF-style: chr1-11228804-G-C. GRCh37 (hg19) VCF-style: chr1-11288861-G-C.
Other names: c.2894C>G, p.Ser965Cys (NM_001386500.1); c.1646C>G, p.Ser549Cys (NM_001386501.1); short protein forms S549C, S965C.
Identifiers: ClinVar variation 2857055 (VCV002857055.4), dbSNP rs2100855699, ClinGen allele CA338379275.

ClinVar aggregate classification (germline): Uncertain significance. Review status: criteria provided, multiple submitters, no conflicts (2 of 4 stars). 2 submissions from 2 submitters: Uncertain significance (2). Last evaluated 2023-12-27.

Conditions:
Inborn genetic diseases. Identifiers: MedGen C0950123, MeSH D030342.

Submissions (2):

Ambry Genetics
Classification: Uncertain significance for Inborn genetic diseases. Last evaluated: 2023-12-27. Review status: criteria provided, single submitter. Criteria: Ambry Variant Classification Scheme 2023. Collection method: clinical testing. Allele origin: germline.

Labcorp Genetics (formerly Invitae), Labcorp
Classification: Uncertain significance. Last evaluated: 2023-04-17. Review status: criteria provided, single submitter. Criteria: Invitae Variant Classification Sherloc (09022015). Collection method: clinical testing. Allele origin: germline.
Comment: This sequence change replaces serine, which is neutral and polar, with cysteine, which is neutral and slightly polar, at codon 965 of the MTOR protein (p.Ser965Cys). This variant is not present in population databases (gnomAD no frequency). This variant has not been reported in the literature in individuals affected with MTOR-related conditions. Advanced modeling of protein sequence and biophysical properties (such as structural, functional, and spatial information, amino acid conservation, physicochemical variation, residue mobility, and thermodynamic stability) performed at Invitae indicates that this missense variant is not expected to disrupt MTOR protein function. In summary, the available evidence is currently insufficient to determine the role of this variant in disease. Therefore, it has been classified as a Variant of Uncertain Significance.